The following is an entry in ClinVar:

ClinVar aggregate classification (germline): Uncertain significance (1 of 4 stars; one submission).

Submission:

Labcorp Genetics (formerly Invitae), Labcorp
Classification: Uncertain significance. Last evaluated: 2024-10-09. Review status: criteria provided, single submitter. Criteria: Invitae Variant Classification Sherloc (09022015). Collection method: clinical testing. Allele origin: germline.
Comment: This sequence change replaces glycine, which is neutral and non-polar, with arginine, which is basic and polar, at codon 4621 of the HMCN1 protein (p.Gly4621Arg). This variant is not present in population databases (gnomAD no frequency). This variant has not been reported in the literature in individuals affected with HMCN1-related conditions. An algorithm developed to predict the effect of missense changes on protein structure and function (PolyPhen-2) suggests that this variant is likely to be disruptive. In summary, the available evidence is currently insufficient to determine the role of this variant in disease. Therefore, it has been classified as a Variant of Uncertain Significance.

NM_031935.3(HMCN1):c.13861G>C (p.Gly4621Arg)

Gene: HMCN1 (hemicentin 1; plus strand). Cytogenetic location: 1q31.1.
Variant type: single nucleotide variant.
Coding change: c.13861G>C on transcript NM_031935.3 (MANE Select); coding-DNA position 13861, G replaced by C.
Protein change: p.Gly4621Arg; replaces glycine 4621 with arginine.
Molecular consequence: missense variant.
Genome position (GRCh38, 1-based): chr1:186,137,909, G>C. VCF-style: chr1-186137909-G-C. GRCh37 (hg19) VCF-style: chr1-186107041-G-C.
Other names: short protein forms G4621R.
Identifiers: ClinVar variation 3722267 (VCV003722267.2).